The following is an entry in ClinVar:

NM_000548.5(TSC2):c.3886_3942dup (p.Pro1314_Pro1315insSerAlaValValMetGluGluGlySerProGlyGluValProValLeuValGluPro)

Gene: TSC2 (TSC complex subunit 2; plus strand). Cytogenetic location: 16p13.3.
Variant type: Duplication.
Coding change: c.3886_3942dup on transcript NM_000548.5 (MANE Select); coding-DNA positions 3886 to 3942, 57 bases duplicated.
Protein change: p.Pro1314_Pro1315insSerAlaValValMetGluGluGlySerProGlyGluValProValLeuValGluPro.
Molecular consequence: inframe insertion. On other transcripts: inframe indel (33).
Genome position (GRCh38, 1-based): chr16:2,083,697-2,083,753, 57 bases duplicated. GRCh37 (hg19): chr16:2,133,698-2,133,754.
Other names: c.2341_2397dup, p.Pro799_Pro800insSerAlaValValMetGluGluGlySerProGlyGluValProValLeuValGluPro (NM_001406697.1, NM_001406695.1, NM_001406696.1); c.2083_2139dup, p.Pro713_Pro714insSerAlaValValMetGluGluGlySerProGlyGluValProValLeuValGluPro (NM_001406698.1); c.3757_3813dup, p.Pro1271_Pro1272insSerAlaValValMetGluGluGlySerProGlyGluValProValLeuValGluPro (NM_021055.3, NM_001370405.1); c.3685_3741dup, p.Pro1247_Pro1248insSerAlaValValMetGluGluGlySerProGlyGluValProValLeuValGluPro (NM_001077183.3); c.3817_3873dup, p.Pro1291_Pro1292insSerAlaValValMetGluGluGlySerProGlyGluValProValLeuValGluPro (NM_001114382.3); c.3577_3633dup, p.Pro1211_Pro1212insSerAlaValValMetGluGluGlySerProGlyGluValProValLeuValGluPro (NM_001318827.2); c.3541_3597dup, p.Pro1199_Pro1200insSerAlaValValMetGluGluGlySerProGlyGluValProValLeuValGluPro (NM_001318829.2); c.3154_3210dup, p.Pro1070_Pro1071insSerAlaValValMetGluGluGlySerProGlyGluValProValLeuValGluPro (NM_001318831.2); and 27 more.
Identifiers: ClinVar variation 1735836 (VCV001735836.8), dbSNP rs1567517755, ClinGen allele CA620379149.

ClinVar aggregate classification (germline): Uncertain significance. Review status: criteria provided, multiple submitters, no conflicts (2 of 4 stars). 2 submissions from 2 submitters: Uncertain significance (2). Last evaluated 2025-11-18.

Conditions:
Tuberous sclerosis 2 (TSC2). Identifiers: Orphanet 805, MedGen C1860707, MONDO:0013199, OMIM 613254.
Hereditary cancer-predisposing syndrome. Also called: Neoplastic Syndromes, Hereditary; Tumor predisposition; Hereditary Cancer Syndrome; Hereditary neoplastic syndrome. Identifiers: Orphanet 140162, MedGen C0027672, MeSH D009386, MONDO:0015356.

Submissions (2):

Labcorp Genetics (formerly Invitae), Labcorp
Classification: Uncertain significance for Tuberous sclerosis 2. Last evaluated: 2025-11-18. Review status: criteria provided, single submitter. Criteria: Invitae Variant Classification Sherloc (09022015). Collection method: clinical testing. Allele origin: germline.
Comment: This variant, c.3886_3942dup, results in the insertion of 19 amino acid(s) of the TSC2 protein (p.Ser1296_Pro1314dup), but otherwise preserves the integrity of the reading frame. This variant is present in population databases (no rsID available, gnomAD 0.001%). This variant has not been reported in the literature in individuals affected with TSC2-related conditions. ClinVar contains an entry for this variant (Variation ID: 1735836). In summary, the available evidence is currently insufficient to determine the role of this variant in disease. Therefore, it has been classified as a Variant of Uncertain Significance.

Ambry Genetics
Classification: Uncertain significance for Hereditary cancer-predisposing syndrome. Last evaluated: 2025-09-18. Review status: criteria provided, single submitter. Criteria: Ambry Variant Classification Scheme 2023. Collection method: clinical testing. Allele origin: germline.
Comment: The c.3886_3942dup57 variant (also known as p.S1296_P1314dup), located in coding exon 32 of the TSC2 gene, results from an in-frame duplication of 57 nucleotides at nucleotide positions 3886 to 3942. This results in the duplication of 19 extra residues (SAVVMEEGSPGEVPVLVEP) between codons 1296 and 1314. This amino acid region is generally is well conserved in available vertebrate species. In addition, the in silico prediction for this variant is inconclusive (Choi Y et al. PLoS ONE. 2012; 7(10):e46688). Since supporting evidence is limited at this time, the clinical significance of this alteration remains unclear.